The following continues an entry in ClinVar:

NM_000218.3(KCNQ1):c.1031C>T (p.Ala344Val)

Gene: KCNQ1. ClinVar aggregate classification (germline): Pathogenic. Pathogenic (16).

Submissions 8 to 17 of 17:

Color Diagnostics, LLC DBA Color Health
Classification: Pathogenic for Cardiac arrhythmia. Last evaluated: 2023-10-03. Review status: criteria provided, single submitter. Criteria: ACMG Guidelines, 2015. Collection method: clinical testing. Allele origin: germline.
Comment: This missense variant replaces alanine with valine at codon 344 of the KCNQ1 protein. This variant is found within a highly conserved region in transmembrane domain S6 (a.a. 328-348). Rare non-truncating variants in this region have been shown to be significantly overrepresented in individuals with long QT syndrome (PMID: 32893267). Functional studies have shown that this variant affects gating properties and increases channel sensitivity to anesthetics (PMID: 16931984, 32015334 ). This variant has been reported in heterozygous state in over ten unrelated individuals affected with long QT syndrome (PMID: 9386136, 15840476, 19716085, 20851114, 24217263, 26669661, 27920829, 32298319, 32893267, 34505893, 34884666) and in homozygous state in at least three individuals affected with severe long QT syndrome without hearing loss (PMID: 28438721, 28944242). This variant has been report to be a de novo occurrence in a child with severe long QT syndrome in compound heterozygous state with p.Ala300Thr variant in the same gene (PMID: 34884666). This variant has also been observed in over twenty unaffected heterozygous individuals (PMID: 9386136, 28438721, 28944242, 34505893). This variant has not been identified in the general population by the Genome Aggregation Database (gnomAD). Based on the available evidence, this variant is classified as Pathogenic.

All of Us Research Program, National Institutes of Health
Classification: Pathogenic for Long QT syndrome. Last evaluated: 2023-08-16. Review status: criteria provided, single submitter. Criteria: ACMG Guidelines, 2015. Collection method: clinical testing. Allele origin: germline. Inheritance: Autosomal dominant inheritance. Observed: 1 variant allele, 1 heterozygote.
Comment: This variant has been reported in multiple individuals with long QT syndrome (PMID: 9386136, 15466642, 15840476, 19716085, 9570196, 17470695, 32893267, 36102233). This variant is absent from large population databases, including the Genome Aggregation Database. This variant is located in a well-established functional domain of the protein where other pathogenic or likely pathogenic variants have been described (PMID: 19716085). It is predicted to be deleterious by in silico analysis. Functional studies suggest that this variant results in a deleterious effect on the protein (PMID: 16931984).

This study involves interpretation of variants in research participants for the purpose of population health screening. Participant phenotype was not available at the time of variant classification. Additional details can be found in publication PMID: 35346344, PMCID: PMC8962531

New York Genome Center
Classification: Pathogenic for Long QT syndrome 1. Last evaluated: 2023-08-11. Review status: criteria provided, single submitter. Criteria: NYGC Assertion Criteria 2020. Collection method: clinical testing. Allele origin: germline. Affected: yes. Observed: 1 heterozygote.
Comment: The c.1031C>T variant in KCNQ1 has previously been reported in individuals with long QT syndrome (PMID: 9386136, 28944242, 31737537, 34505893) and it has been deposited in ClinVar [ClinVar ID: 52936] as Pathogenic by multiple submitters with affected status provided. The c.1031C>T variant is observed in 1 allele (~0.00017% minor allele frequency with 0 homozygote) in population databases (gnomAD v2.1.1 and v3.1.2, TOPMed Freeze 8, All of Us), suggesting it is not a common benign variant in the populations represented in those databases. The c.1031C>T variant in KCNQ1 is located in exon 7 of this 16-exon gene and is predicted to replace an evolutionarily conserved alanine amino acid with valine at position 344 (p.(Ala344Val) in the ion transport domain of the encoded protein [UniProt ID: P51787]. Functional studies demonstrated loss of potassium channel function (PMID: 34505893). Different missense variants affecting the same aminoacid residue (p.Ala344) and neighbouring residues within the S segment have been reported in individuals with long QT syndrome in the literature [PMID: 28349240]. Based on available evidence this c.1031C>T p.(Ala344Val) variant identified in KCNQ1 is classified as Pathogenic.

Molecular Genetics Laboratory - Cardiogenetics, CHU de Nantes
Classification: Pathogenic for Long QT syndrome 1. Last evaluated: 2023-08-01. Review status: criteria provided, single submitter. Criteria: ACMG Guidelines, 2015. Collection method: clinical testing. Allele origin: germline. Affected: yes.

GeneDx
Classification: Pathogenic. Last evaluated: 2022-05-17. Review status: criteria provided, single submitter. Criteria: GeneDx Variant Classification Process June 2021. Collection method: clinical testing. Allele origin: germline. Affected: yes.
Comment: Not observed in large population cohorts (gnomAD); Published functional studies demonstrate a damaging effect on KCNQ1 channel function (Siebrands et al., 2006); In silico analysis supports that this missense variant has a deleterious effect on protein structure/function; This variant is associated with the following publications: (PMID: 15840476, 19716085, 29444113, 16931984, 12388934, 22095730, 15466642, 9386136, 17470695, 28944242, 9570196, 29033053, 31589614, 28438721, 31737537, 34505893)

Victorian Clinical Genetics Services, Murdoch Childrens Research Institute
Classification: Pathogenic for Long QT syndrome 1. Last evaluated: 2020-06-11. Review status: criteria provided, single submitter. Criteria: ACMG Guidelines, 2015. Collection method: clinical testing. Allele origin: germline. Affected: yes.
Comment: Based on the classification scheme VCGS_Germline_v1.1.1, this variant is classified as Pathogenic. Following criteria are met: 0103 - Both loss- and gain-of-function are known mechanisms of disease for this gene (PMID: 19632626). (N) 0104 - Dominant Negative is a mechanism of disease for this gene. Long QT syndrome has been associated with variants resulting in both loss-of-function and dominant negative effects (PMID: 19632626). (N) 0108 - This gene is known to be associated with both recessive and dominant disease. Long QT syndrome is caused predominantly by heterozygous pathogenic variants (OMIM). (N) 0200 - Variant is predicted to result in a missense amino acid change from an alanine to a valine (exon 7). (N) 0251 - Variant is heterozygous. (N) 0302 - Variant is present in gnomAD <0.001 for a dominant condition (1 heterozygote, 0 homozygotes). (P) 0502 - Missense variant with conflicting in silico predictions and uninformative conservation. (N) 0600 - Variant is located in an annotated domain or motif (S6 transmembrane helix of the ion transport domain; NCBI, PDB, Decipher, PMID: 10508236). (N) 0703 - Comparable variants have moderate previous evidence for pathogenicity. At least two different variants in the same codon resulting in a change to a threonine and a glycine have been reported as likely pathogenic (ClinVar). (P) 0801 - Strong previous evidence of pathogenicity in unrelated individuals. This variant has been has described as a mild variant and has been previously reported as pathogenic in multiple patients with long QT syndrome (ClinVar, LOVD, PMID: 10508236, PMID: 28944242). (P) 1002 - Moderate functional evidence supporting abnormal protein function. Studies show that this variant induces voltage-dependent inactivation in KCNQ1 channels and shifts the voltage dependence of KCNQ1/KCNE1 complex activation (PMID: 16931984). (P) 1208 - Inheritance information for this variant is not currently available. (N) Legend: (P) - Pathogenic, (N) - Neutral, (B) - Benign

Blueprint Genetics
Classification: Pathogenic for KCNQ1-related disorders. Last evaluated: 2019-11-26. Review status: criteria provided, single submitter. Criteria: ACMG Guidelines, 2015. Collection method: clinical testing. Allele origin: germline. Affected: yes. Observed: 2 variant alleles.

Stanford Center for Inherited Cardiovascular Disease, Stanford University
Classification: Pathogenic. Last evaluated: 2015-07-16. Review status: criteria provided, single submitter. Criteria: ACMG Guidelines, 2015. Collection method: provider interpretation. Allele origin: germline.

Juno Genomics, Hangzhou Juno Genomics, Inc
Classification: Pathogenic for Long QT syndrome 1; Atrial fibrillation, familial, 3; Jervell and Lange-Nielsen syndrome 1; Short QT syndrome type 2. Review status: criteria provided, single submitter. Criteria: ACMG Guidelines, 2015. Collection method: clinical testing. Allele origin: germline.
Comment: Absent from controls (or at extremely low frequency if recessive) in Genome Aggregation Database.;The prevalence of the variant in affected individuals is significantly increased compared to the prevalence in controls.;Well-established in vitro or in vivo functional studies supportive of a damaging effect on the gene or gene product.;Novel missense change at an amino acid residue where a different missense change determined to be pathogenic has been seen before.

Cardiovascular Biomedical Research Unit, Royal Brompton & Harefield NHS Foundation Trust
No classification provided. Condition: Familial long QT syndrome. Review status: no classification provided. Collection method: literature only. Allele origin: germline. Not counted in ClinVar's aggregate classification.
Comment: This variant has been reported as associated with Long QT syndrome in the following publications (PMID:9386136;PMID:15466642;PMID:15840476;PMID:19716085;PMID:9570196;PMID:17470695). This is a literature report, and does not necessarily reflect the clinical interpretation of the Imperial College / Royal Brompton Cardiovascular Genetics laboratory.

Literature cited by the submitters: PubMed 16931984 (cited by 8 submitters); PubMed 32797034 (cited by Dasa and Ambry Genetics); PubMed 33504163 (cited by Dasa); PubMed 9386136 (cited by 9 submitters); PubMed 9570196 (cited by 3 submitters); PubMed 16922724 (cited by 3 submitters); PubMed 17088455 (cited by 3 submitters); PubMed 17470695 (cited by 6 submitters); PubMed 19490272 (cited by 3 submitters); PubMed 24217263 (cited by 4 submitters); PubMed 28438721 (cited by 4 submitters); PubMed 28944242 (cited by 6 submitters); PubMed 34505893 (cited by 6 submitters); PubMed 34884666 (cited by 3 submitters); PubMed 15466642 (cited by 4 submitters); PubMed 15840476 (cited by 5 submitters); PubMed 19716085 (cited by 5 submitters); PubMed 22095730 (cited by Ambry Genetics); PubMed 26669661 (cited by Ambry Genetics and Color Diagnostics, LLC DBA Color Health); PubMed 27920829 (cited by Ambry Genetics and Color Diagnostics, LLC DBA Color Health); PubMed 28575668 (cited by Ambry Genetics); PubMed 31395126 (cited by Ambry Genetics); PubMed 31737537 (cited by Ambry Genetics and New York Genome Center); PubMed 31883792 (cited by Ambry Genetics); PubMed 20851114 (cited by Color Diagnostics, LLC DBA Color Health); PubMed 32015334 (cited by Color Diagnostics, LLC DBA Color Health); PubMed 32298319 (cited by Color Diagnostics, LLC DBA Color Health); PubMed 32893267 (cited by Color Diagnostics, LLC DBA Color Health and All of Us Research Program, National Institutes of Health); PubMed 36102233 (cited by All of Us Research Program, National Institutes of Health); PubMed 10508236 (cited by Victorian Clinical Genetics Services, Murdoch Childrens Research Institute); PubMed 19632626 (cited by Victorian Clinical Genetics Services, Murdoch Childrens Research Institute); PubMed 22581653 (cited by Cardiovascular Biomedical Research Unit, Royal Brompton & Harefield NHS Foundation Trust).